The following is an entry in ClinVar:

NM_021922.3(FANCE):c.1598A>T (p.His533Leu)

Gene: FANCE (FA complementation group E; plus strand). Cytogenetic location: 6p21.31.
Variant type: single nucleotide variant.
Coding change: c.1598A>T on transcript NM_021922.3 (MANE Select); coding-DNA position 1598, A replaced by T.
Protein change: p.His533Leu; replaces histidine 533 with leucine.
Molecular consequence: missense variant. On other transcripts: 3 prime UTR variant (1).
Genome position (GRCh38, 1-based): chr6:35,466,332, A>T. VCF-style: chr6-35466332-A-T. GRCh37 (hg19) VCF-style: chr6-35434109-A-T.
Other names: c.*49A>T (NM_001410876.1); short protein forms H533L.
Identifiers: ClinVar variation 1984380 (VCV001984380.4), dbSNP rs2533710015, ClinGen allele CA363778823.

ClinVar aggregate classification (germline): Uncertain significance (1 of 4 stars; one submission).

Conditions:
Fanconi anemia complementation group E (FANCE). Also called: FANCE-Related Fanconi Anemia. Identifiers: Orphanet 84, MedGen C3160739, MONDO:0010953, OMIM 600901.

Allele frequency attached by ClinVar (database versions not stated): gnomAD exomes below 0.00001.

Submission:

Labcorp Genetics (formerly Invitae), Labcorp
Classification: Uncertain significance for Fanconi anemia complementation group E. Last evaluated: 2024-02-08. Review status: criteria provided, single submitter. Criteria: Invitae Variant Classification Sherloc (09022015). Collection method: clinical testing. Allele origin: germline.
Comment: This sequence change replaces histidine, which is basic and polar, with leucine, which is neutral and non-polar, at codon 533 of the FANCE protein (p.His533Leu). This variant is not present in population databases (gnomAD no frequency). This variant has not been reported in the literature in individuals affected with FANCE-related conditions. ClinVar contains an entry for this variant (Variation ID: 1984380). An algorithm developed to predict the effect of missense changes on protein structure and function (PolyPhen-2) suggests that this variant is likely to be tolerated. In summary, the available evidence is currently insufficient to determine the role of this variant in disease. Therefore, it has been classified as a Variant of Uncertain Significance.